The following is an entry in ClinVar:

ClinVar aggregate classification (germline): Uncertain significance (1 of 4 stars; one submission).

Conditions:
Wilson disease (WND). Also called: Wilson's disease. Identifiers: Orphanet 905, MedGen C0019202, MONDO:0010200, OMIM 277900. Disease mechanism: loss of function.

Submission:

Labcorp Genetics (formerly Invitae), Labcorp
Classification: Uncertain significance for Wilson disease. Last evaluated: 2025-08-04. Review status: criteria provided, single submitter. Criteria: Invitae Variant Classification Sherloc (09022015). Collection method: clinical testing. Allele origin: germline.
Comment: This sequence change replaces methionine, which is neutral and non-polar, with threonine, which is neutral and polar, at codon 671 of the ATP7B protein (p.Met671Thr). This variant is not present in population databases (gnomAD no frequency). This variant has not been reported in the literature in individuals affected with ATP7B-related conditions. ClinVar contains an entry for this variant (Variation ID: 2121423). Invitae Evidence Modeling of protein sequence and biophysical properties (such as structural, functional, and spatial information, amino acid conservation, physicochemical variation, residue mobility, and thermodynamic stability) indicates that this missense variant is expected to disrupt ATP7B protein function with a positive predictive value of 80%. In summary, the available evidence is currently insufficient to determine the role of this variant in disease. Therefore, it has been classified as a Variant of Uncertain Significance.

NM_000053.4(ATP7B):c.2012T>C (p.Met671Thr)

Gene: ATP7B (ATPase copper transporting beta; minus strand). Cytogenetic location: 13q14.3.
Variant type: single nucleotide variant.
Coding change: c.2012T>C on transcript NM_000053.4 (MANE Select); coding-DNA position 2012, T replaced by C.
Protein change: p.Met671Thr; replaces methionine 671 with threonine.
Molecular consequence: missense variant. On other transcripts: intron variant (2).
Genome position (GRCh38, 1-based): chr13:51,960,257, A>G on the plus strand (T>C on the coding strand, the complement: ATP7B is on the minus strand). VCF-style: chr13-51960257-A-G. GRCh37 (hg19) VCF-style: chr13-52534393-A-G.
Other names: c.1916T>C, p.Met639Thr (NM_001406517.1, NM_001406518.1, NM_001406530.1 and 1 more transcripts); c.2012T>C, p.Met671Thr (NM_001406519.1, NM_001406520.1, NM_001406521.1 and 16 more transcripts); c.1979T>C, p.Met660Thr (NM_001406524.1, NM_001406514.1); c.1679T>C, p.Met560Thr (NM_001243182.2); c.1583T>C, p.Met528Thr (NM_001406539.1); c.1870-2650T>C (NM_001005918.3); c.1870-1713T>C (NM_001330579.2); short protein forms M639T, M528T, M560T, M660T, M671T.
Identifiers: ClinVar variation 2121423 (VCV002121423.4), dbSNP rs2547725383, ClinGen allele CA388025582.